The following is an entry in ClinVar:

ClinVar aggregate classification (germline): Uncertain significance (1 of 4 stars; one submission).

Conditions:
Dilated cardiomyopathy 1G (CMD1G). Identifiers: Orphanet 154, MedGen C1858763, MONDO:0011400, OMIM 604145.
Autosomal recessive limb-girdle muscular dystrophy type 2J (LGMDR10). Also called: Limb-girdle muscular dystrophy, type 2J; MUSCULAR DYSTROPHY, LIMB-GIRDLE, AUTOSOMAL RECESSIVE 10. Identifiers: Orphanet 140922, MedGen C1837342, MONDO:0012127, OMIM 608807.

Allele frequency attached by ClinVar (database versions not stated): TOPMed below 0.00001.

Submission:

Labcorp Genetics (formerly Invitae), Labcorp
Classification: Uncertain significance for Dilated cardiomyopathy 1G; Autosomal recessive limb-girdle muscular dystrophy type 2J. Last evaluated: 2026-01-18. Review status: criteria provided, single submitter. Criteria: Invitae Variant Classification Sherloc (09022015). Collection method: clinical testing. Allele origin: germline.
Comment: This sequence change replaces threonine, which is neutral and polar, with alanine, which is neutral and non-polar, at codon 34437 of the TTN protein (p.Thr34437Ala). This variant is not present in population databases (gnomAD no frequency). This variant has not been reported in the literature in individuals affected with TTN-related conditions. ClinVar contains an entry for this variant (Variation ID: 2007897). Experimental studies and prediction algorithms are not available or were not evaluated, and the functional significance of this variant is currently unknown. This variant is located in the M band of TTN (PMID: 25589632). Non-truncating variants in this region may be relevant for neuromuscular disorders, but have not been definitively shown to cause cardiomyopathy (PMID: 23975875). In summary, the available evidence is currently insufficient to determine the role of this variant in disease. Therefore, it has been classified as a Variant of Uncertain Significance.

Literature cited by the submitters: PubMed 25589632; PubMed 23975875.

NM_001267550.2(TTN):c.103309A>G (p.Thr34437Ala)

Genes: TTN (titin; minus strand), TTN-AS1 (TTN antisense RNA 1; plus strand). Cytogenetic location: 2q31.2.
Variant type: single nucleotide variant.
Coding change: c.103309A>G on transcript NM_001267550.2 (MANE Select); coding-DNA position 103309, A replaced by G.
Protein change: p.Thr34437Ala; replaces threonine 34437 with alanine.
Molecular consequence: missense variant.
Genome position (GRCh38, 1-based): chr2:178,533,306, T>C on the plus strand (A>G on the coding strand, the complement: TTN is on the minus strand). VCF-style: chr2-178533306-T-C. GRCh37 (hg19) VCF-style: chr2-179398033-T-C.
Other names: c.98386A>G, p.Thr32796Ala (NM_001256850.1); c.76114A>G, p.Thr25372Ala (NM_003319.4); c.95605A>G, p.Thr31869Ala (NM_133378.4); c.76489A>G, p.Thr25497Ala (NM_133432.3); c.76690A>G, p.Thr25564Ala (NM_133437.4); short protein forms T25372A, T25497A, T25564A, T32796A, T34437A, T31869A.
Identifiers: ClinVar variation 2007897 (VCV002007897.4), dbSNP rs762313504, ClinGen allele CA349414556.